The following is an entry in ClinVar:

ClinVar aggregate classification (germline): Pathogenic/Likely pathogenic. Review status: criteria provided, multiple submitters, no conflicts (2 of 4 stars). 2 submissions from 2 submitters: Pathogenic (1); Likely pathogenic (1). Last evaluated 2024-01-03.

Conditions:
Breast-ovarian cancer, familial, susceptibility to, 3. Also called: RAD51C-Related Breast/Ovarian Cancer. Identifiers: Orphanet 145, MedGen C3150659, MONDO:0013253, OMIM 613399.

Submissions (2):

Myriad Genetics, Inc.
Classification: Pathogenic for Breast-ovarian cancer, familial, susceptibility to, 3. Last evaluated: 2024-01-03. Review status: criteria provided, single submitter. Criteria: Myriad Autosomal Dominant, Autosomal Recessive and X-Linked Classification Criteria (2023). Collection method: clinical testing. Allele origin: unknown.
Comment: This variant is considered pathogenic. This variant creates a termination codon and is predicted to result in premature protein truncation.

MGZ Medical Genetics Center
Classification: Likely pathogenic for Breast-ovarian cancer, familial, susceptibility to, 3. Last evaluated: 2021-11-23. Review status: criteria provided, single submitter. Criteria: ACMG Guidelines, 2015. Collection method: clinical testing. Allele origin: germline. Affected: yes. Observed: 1 variant allele.
Comment: ACMG criteria applied: PVS1, PM2_SUP

NM_058216.3(RAD51C):c.829A>T (p.Arg277Ter)

Gene: RAD51C (RAD51 paralog C; plus strand). Cytogenetic location: 17q22.
Variant type: single nucleotide variant.
Coding change: c.829A>T on transcript NM_058216.3 (MANE Select); coding-DNA position 829, A replaced by T.
Protein change: p.Arg277Ter; replaces arginine 277 with a stop codon.
Molecular consequence: nonsense. On other transcripts: non-coding transcript variant (1).
Genome position (GRCh38, 1-based): chr17:58,709,982, A>T. VCF-style: chr17-58709982-A-T. GRCh37 (hg19) VCF-style: chr17-56787343-A-T.
Other names: c.*257A>T (NM_058217.1); short protein forms R277*.
Identifiers: ClinVar variation 1709992 (VCV001709992.3), dbSNP rs2143854758, ClinGen allele CA400354460.
Genomic context (GRCh38, chr17:58,709,982, plus strand): 5'-CTTCGTACTCGGTTATTAAATGGCCTAGCCCAGCAAATGATCAGCCTTGCAAATAATCAC[A>T]GATTAGCTGTAAGTATTAACTAGTGAAGAGAGTTTTATAACAAAGTCAAGACTGTATAAA-3'